The following is an entry in ClinVar:

NM_198428.3(BBS9):c.1120C>T (p.Arg374Ter)

Gene: BBS9 (Bardet-Biedl syndrome 9; plus strand). Cytogenetic location: 7p14.3.
Variant type: single nucleotide variant.
Coding change: c.1120C>T on transcript NM_198428.3 (MANE Select); coding-DNA position 1120, C replaced by T.
Protein change: p.Arg374Ter; replaces arginine 374 with a stop codon.
Molecular consequence: nonsense. On other transcripts: non-coding transcript variant (3).
Genome position (GRCh38, 1-based): chr7:33,336,544, C>T. VCF-style: chr7-33336544-C-T. GRCh37 (hg19) VCF-style: chr7-33376156-C-T.
Other names: c.1120C>T, p.Arg374Ter (NM_001033604.2, NM_001033605.2, NM_001348036.1 and 5 more transcripts); c.754C>T, p.Arg252Ter (NM_001348037.3, NM_001348044.3, NM_001348045.3 and 1 more transcripts); c.847C>T, p.Arg283Ter (NM_001348038.3, NM_001348039.3); c.985C>T, p.Arg329Ter (NM_001348042.3); c.1120C>T (NM_198428.2); short protein forms R252*, R283*, R329*, R374*.
Identifiers: ClinVar variation 1701520 (VCV001701520.40), dbSNP rs998200637, ClinGen allele CA156726915.

ClinVar aggregate classification (germline): Pathogenic/Likely pathogenic. Review status: criteria provided, multiple submitters, no conflicts (2 of 4 stars). 7 submissions from 7 submitters: Pathogenic (5); Likely pathogenic (1). 1 of the submissions does not count toward it. Last evaluated 2025-09-24.

Conditions:
BBS9-related disorder. Also called: BBS9-related condition.
Bardet-Biedl syndrome 9 (BBS9). Identifiers: Orphanet 110, MedGen C1859567, MONDO:0014437, OMIM 615986.
Retinal dystrophy. Also called: Inherited retinal dystrophy. Identifiers: Orphanet 71862, MedGen C0854723, MeSH D058499, MONDO:0019118, HP:0000556.
Bardet-Biedl syndrome (BBS). Identifiers: Orphanet 110, MedGen C0752166, MONDO:0015229.

Allele frequency attached by ClinVar (database versions not stated): gnomAD 0.00001; gnomAD exomes 0.00001.
gnomAD v4.1: 24 of 1,613,052 alleles (0.0015%); highest among the groups gnomAD compares: African/African-American, 0.0027%; no homozygotes.

Submissions (7):

Labcorp Genetics (formerly Invitae), Labcorp
Classification: Pathogenic for Bardet-Biedl syndrome. Last evaluated: 2025-09-24. Review status: criteria provided, single submitter. Criteria: Invitae Variant Classification Sherloc (09022015). Collection method: clinical testing. Allele origin: germline.
Comment: This sequence change creates a premature translational stop signal (p.Arg374*) in the BBS9 gene. It is expected to result in an absent or disrupted protein product. Loss-of-function variants in BBS9 are known to be pathogenic (PMID: 16380913, 20177705). This variant is present in population databases (no rsID available, gnomAD 0.0009%). This premature translational stop signal has been observed in individual(s) with Bardet-Biedl syndrome (PMID: 21209035). ClinVar contains an entry for this variant (Variation ID: 1701520). For these reasons, this variant has been classified as Pathogenic.

Gharavi Laboratory, Columbia University
Classification: Pathogenic for Bardet-Biedl syndrome 9. Last evaluated: 2024-11-05. Review status: criteria provided, single submitter. Criteria: ACMG Guidelines, 2015. Collection method: case-control. Allele origin: germline. Affected: yes.
Comment: Compound heterozygote variant with NM_198428.3:c.1789+1G>C

ENST00000242067

Fulgent Genetics
Classification: Pathogenic for Bardet-Biedl syndrome 9. Last evaluated: 2024-05-13. Review status: criteria provided, single submitter. Criteria: ACMG Guidelines, 2015. Collection method: clinical testing. Allele origin: germline.

CeGaT Center for Human Genetics Tuebingen
Classification: Pathogenic. Last evaluated: 2022-07-01. Review status: criteria provided, single submitter. Criteria: CeGaT Center For Human Genetics Tuebingen Variant Classification Criteria Version 2. Collection method: clinical testing. Allele origin: germline. Affected: yes. Observed: 1 variant allele.
Comment: BBS9: PVS1, PM2

Institute of Human Genetics, Univ. Regensburg, Univ. Regensburg
Classification: Pathogenic for Retinal dystrophy. Last evaluated: 2022-01-01. Review status: criteria provided, single submitter. Criteria: ACMG Guidelines, 2015. Collection method: clinical testing. Allele origin: germline. Affected: yes.

Blueprint Genetics
Classification: Likely pathogenic for BBS9-related disorders. Last evaluated: 2018-08-30. Review status: criteria provided, single submitter. Criteria: ACMG Guidelines, 2015. Collection method: clinical testing. Allele origin: germline. Affected: yes. Observed: 2 variant alleles.

PreventionGenetics, part of Exact Sciences
Classification: Pathogenic for BBS9-related condition. Last evaluated: 2024-05-10. Review status: no assertion criteria provided. Collection method: clinical testing. Allele origin: germline. Not counted in ClinVar's aggregate classification.
Comment: The BBS9 c.1120C>T variant is predicted to result in premature protein termination (p.Arg374*). This variant has been reported in at least one individual with Bardet-Biedl syndrome (see, for example, Feuillan et al. 2011. PubMed ID: 21209035, supplementary data). This variant is reported in 0.0018% of alleles in individuals of European (Non-Finnish) descent in gnomAD. Nonsense variants in BBS9 are expected to be pathogenic. This variant is interpreted as pathogenic.

Literature cited by the submitters: PubMed 16380913 (cited by Labcorp Genetics (formerly Invitae), Labcorp); PubMed 20177705 (cited by Labcorp Genetics (formerly Invitae), Labcorp); PubMed 21209035 (cited by Labcorp Genetics (formerly Invitae), Labcorp and Institute of Human Genetics, Univ. Regensburg, Univ. Regensburg); PubMed 25525159 (cited by Institute of Human Genetics, Univ. Regensburg, Univ. Regensburg); PubMed 31964843 (cited by Institute of Human Genetics, Univ. Regensburg, Univ. Regensburg).